The following is an entry in ClinVar:

NM_002860.4(ALDH18A1):c.763G>A (p.Val255Met)

Gene: ALDH18A1 (aldehyde dehydrogenase 18 family member A1; minus strand). Cytogenetic location: 10q24.1.
Variant type: single nucleotide variant.
Coding change: c.763G>A on transcript NM_002860.4 (MANE Select); coding-DNA position 763, G replaced by A.
Protein change: p.Val255Met; replaces valine 255 with methionine.
Molecular consequence: missense variant.
Genome position (GRCh38, 1-based): chr10:95,633,004, C>T on the plus strand (G>A on the coding strand, the complement: ALDH18A1 is on the minus strand). VCF-style: chr10-95633004-C-T. GRCh37 (hg19) VCF-style: chr10-97392761-C-T.
Other names: c.424G>A, p.Val142Met (NM_001323418.2); c.127G>A, p.Val43Met (NM_001323419.2); c.757G>A, p.Val253Met (NM_001017423.2, NM_001323415.2); c.430G>A, p.Val144Met (NM_001323412.2, NM_001323416.2); c.763G>A, p.Val255Met (NM_001323413.2, NM_001323414.2); c.658G>A, p.Val220Met (NM_001323417.2); short protein forms V144M, V220M, V255M, V43M, V142M, V253M.
Identifiers: ClinVar variation 4792349 (VCV004792349.1).

ClinVar aggregate classification (germline): Uncertain significance (1 of 4 stars; one submission).

Conditions:
Cutis laxa, autosomal dominant 3 (ADCL3). Identifiers: Orphanet 90348, MedGen C4225268, MONDO:0014706, OMIM 616603.
Autosomal dominant spastic paraplegia type 9. Identifiers: MedGen C1832669, MONDO:0015091.
de Barsy syndrome. Also called: Cutis laxa-corneal clouding-oligophrenia syndrome. Identifiers: Orphanet 2962, MedGen C0268354, MONDO:0017569.

Submission:

Labcorp Genetics (formerly Invitae), Labcorp
Classification: Uncertain significance for Autosomal dominant spastic paraplegia type 9; de Barsy syndrome; Cutis laxa, autosomal dominant 3. Last evaluated: 2025-07-09. Review status: criteria provided, single submitter. Criteria: Invitae Variant Classification Sherloc (09022015). Collection method: clinical testing. Allele origin: germline.
Comment: This sequence change replaces valine, which is neutral and non-polar, with methionine, which is neutral and non-polar, at codon 255 of the ALDH18A1 protein (p.Val255Met). This variant is not present in population databases (gnomAD no frequency). This variant has not been reported in the literature in individuals affected with ALDH18A1-related conditions. Invitae Evidence Modeling of protein sequence and biophysical properties (such as structural, functional, and spatial information, amino acid conservation, physicochemical variation, residue mobility, and thermodynamic stability) has been performed for this missense variant. However, the output from this modeling did not meet the statistical confidence thresholds required to predict the impact of this variant on ALDH18A1 protein function. In summary, the available evidence is currently insufficient to determine the role of this variant in disease. Therefore, it has been classified as a Variant of Uncertain Significance.